The following is an entry in ClinVar:

NM_000540.3(RYR1):c.14724C>T (p.Asp4908=)

Gene: RYR1 (ryanodine receptor 1; plus strand). Cytogenetic location: 19q13.2.
Variant type: single nucleotide variant.
Coding change: c.14724C>T on transcript NM_000540.3 (MANE Select); coding-DNA position 14724, C replaced by T.
Protein change: p.Asp4908=; no amino-acid change (aspartic acid 4908 retained).
Molecular consequence: synonymous variant.
Genome position (GRCh38, 1-based): chr19:38,585,020, C>T. VCF-style: chr19-38585020-C-T. GRCh37 (hg19) VCF-style: chr19-39075660-C-T.
Other names: c.14709C>T, p.Asp4903= (NM_001042723.2).
Identifiers: ClinVar variation 2805132 (VCV002805132.4), dbSNP rs756511525, ClinGen allele CA061552.
Genomic context (GRCh38, chr19:38,585,020, plus strand): 5'-GTACGTGGGTGTCCGGGCTGGCGGAGGCATTGGGGACGAGATCGAGGACCCCGCGGGTGA[C>T]GAATACGAGCTCTACAGGGTGGTCTTCGACATCACCTTCTTCTTCTTCGTCATCGTCATC-3'
Protein context (NP_000531.2, residues 4898-4918): IGDEIEDPAG[Asp4908=]EYELYRVVFD

ClinVar aggregate classification (germline): Likely benign. Review status: criteria provided, multiple submitters, no conflicts (2 of 4 stars). 2 submissions from 2 submitters: Likely benign (2). Last evaluated 2025-05-19.

Conditions:
Malignant hyperthermia, susceptibility to, 1 (MHS1). Also called: RYR1-Related Malignant Hyperthermia Susceptibility; Malignant hyperthermia suceptibility 1; Anesthesia related hyperthermia; Malignant hyperpyrexia; Fulminating hyperpyrexia; Pharmacogenic myopathy. Identifiers: Orphanet 423, MedGen C2930980, MONDO:0007783, OMIM 145600.
RYR1-related disorder. Also called: RYR1-related condition; RYR1-related disorders. Identifiers: MedGen CN239331.

Allele frequency attached by ClinVar (database versions not stated): gnomAD exomes 0.00002; ExAC 0.00003; gnomAD 0.00003 and 0.00004; TOPMed 0.00004.
gnomAD v4.1: 19 of 1,613,898 alleles (0.0012%); highest among the groups gnomAD compares: African/African-American, 0.0067%; no homozygotes.

Submissions (2):

Labcorp Genetics (formerly Invitae), Labcorp
Classification: Likely benign for RYR1-related disorder. Last evaluated: 2025-05-19. Review status: criteria provided, single submitter. Criteria: Invitae Variant Classification Sherloc (09022015). Collection method: clinical testing. Allele origin: germline.

All of Us Research Program, National Institutes of Health
Classification: Likely benign for Malignant hyperthermia, susceptibility to, 1. Last evaluated: 2023-12-13. Review status: criteria provided, single submitter. Criteria: ACMG Guidelines, 2015. Collection method: clinical testing. Allele origin: germline. Inheritance: Autosomal dominant inheritance. Observed: 2 variant alleles, 2 heterozygotes.
Comment: This study involves interpretation of variants in research participants for the purpose of population health screening. Participant phenotype was not available at the time of variant classification. Additional details can be found in publication PMID: 35346344, PMCID: PMC8962531